The following is an entry in ClinVar:

ClinVar aggregate classification (germline): Uncertain significance. Review status: criteria provided, multiple submitters, no conflicts (2 of 4 stars). 3 submissions from 3 submitters: Uncertain significance (3). Last evaluated 2025-01-11.

Conditions:
Hereditary cancer-predisposing syndrome. Also called: Neoplastic Syndromes, Hereditary; Tumor predisposition; Hereditary Cancer Syndrome; Hereditary neoplastic syndrome. Identifiers: Orphanet 140162, MedGen C0027672, MeSH D009386, MONDO:0015356.
Familial adenomatous polyposis 1 (FAP1). Also called: FAMILIAL ADENOMATOUS POLYPOSIS 1, ATTENUATED; POLYPOSIS, ADENOMATOUS INTESTINAL. Identifiers: MedGen C2713442, MONDO:0021056, OMIM 175100. Disease mechanism: loss of function.
Classic or attenuated familial adenomatous polyposis. Identifiers: MedGen CN372698, MONDO:0021057.

Allele frequency attached by ClinVar (database versions not stated): gnomAD exomes below 0.00001.
gnomAD v4.1: 1 of 1,613,704 alleles (0.000062%); highest among the groups gnomAD compares: Non-Finnish European, 0.000085%; no homozygotes.

Submissions (3):

Labcorp Genetics (formerly Invitae), Labcorp
Classification: Uncertain significance for Familial adenomatous polyposis 1. Last evaluated: 2025-01-11. Review status: criteria provided, single submitter. Criteria: Invitae Variant Classification Sherloc (09022015). Collection method: clinical testing. Allele origin: germline.
Comment: This sequence change replaces alanine, which is neutral and non-polar, with threonine, which is neutral and polar, at codon 2410 of the APC protein (p.Ala2410Thr). This variant is not present in population databases (gnomAD no frequency). This variant has not been reported in the literature in individuals affected with APC-related conditions. ClinVar contains an entry for this variant (Variation ID: 485124). Invitae Evidence Modeling of protein sequence and biophysical properties (such as structural, functional, and spatial information, amino acid conservation, physicochemical variation, residue mobility, and thermodynamic stability) indicates that this missense variant is not expected to disrupt APC protein function with a negative predictive value of 95%. In summary, the available evidence is currently insufficient to determine the role of this variant in disease. Therefore, it has been classified as a Variant of Uncertain Significance.

Ambry Genetics
Classification: Uncertain significance for Hereditary cancer-predisposing syndrome. Last evaluated: 2024-10-01. Review status: criteria provided, single submitter. Criteria: Ambry Variant Classification Scheme 2023. Collection method: clinical testing. Allele origin: germline.
Comment: The p.A2410T variant (also known as c.7228G>A), located in coding exon 15 of the APC gene, results from a G to A substitution at nucleotide position 7228. The alanine at codon 2410 is replaced by threonine, an amino acid with similar properties. This amino acid position is poorly conserved in available vertebrate species. In addition, in silico predictors for this gene do not accurately predict pathogenicity. Missense alterations in APC are not a common cause of disease (Spier I et al. Genet Med. 2024 Feb;26(2):100992). Based on the available evidence, the clinical significance of this variant remains unclear.

All of Us Research Program, National Institutes of Health
Classification: Uncertain significance for Classic or attenuated familial adenomatous polyposis. Last evaluated: 2023-12-18. Review status: criteria provided, single submitter. Criteria: ACMG Guidelines, 2015. Collection method: clinical testing. Allele origin: germline. Inheritance: Autosomal dominant inheritance. Observed: 1 variant allele, 1 heterozygote.
Comment: This missense variant replaces alanine with threonine at codon 2410 of the APC protein. Computational prediction suggests that this variant may not impact protein structure and function (internally defined REVEL score threshold <= 0.5, PMID: 27666373). To our knowledge, functional studies have not been reported for this variant. This variant has not been reported in individuals affected with APC-related disorders in the literature. This variant has not been identified in the general population by the Genome Aggregation Database (gnomAD). The available evidence is insufficient to determine the role of this variant in disease conclusively. Therefore, this variant is classified as a Variant of Uncertain Significance.

This study involves interpretation of variants in research participants for the purpose of population health screening. Participant phenotype was not available at the time of variant classification. Additional details can be found in publication PMID: 35346344, PMCID: PMC8962531

NM_000038.6(APC):c.7228G>A (p.Ala2410Thr)

Gene: APC (APC regulator of Wnt signaling pathway; plus strand). Cytogenetic location: 5q22.2.
Variant type: single nucleotide variant.
Coding change: c.7228G>A on transcript NM_000038.6 (MANE Select); coding-DNA position 7228, G replaced by A.
Protein change: p.Ala2410Thr; replaces alanine 2410 with threonine.
Molecular consequence: missense variant.
Genome position (GRCh38, 1-based): chr5:112,842,822, G>A. VCF-style: chr5-112842822-G-A. GRCh37 (hg19) VCF-style: chr5-112178519-G-A.
Other names: c.7228G>A, p.Ala2410Thr (NM_001127510.3, NM_001354895.2); c.7174G>A, p.Ala2392Thr (NM_001127511.3); c.7282G>A, p.Ala2428Thr (NM_001354896.2); c.7258G>A, p.Ala2420Thr (NM_001354897.2); c.7153G>A, p.Ala2385Thr (NM_001354898.2); c.7144G>A, p.Ala2382Thr (NM_001354899.2); c.7105G>A, p.Ala2369Thr (NM_001354900.2); c.7051G>A, p.Ala2351Thr (NM_001354901.2); and 5 more; short protein forms A2392T, A2410T, A2250T, A2309T, A2319T, A2369T, A2428T, A2284T.
Identifiers: ClinVar variation 485124 (VCV000485124.17), dbSNP rs902036382, ClinGen allele CA16037073.